The following is an entry in ClinVar:

NM_032447.5(FBN3):c.5789C>G (p.Thr1930Ser)

Gene: FBN3 (fibrillin 3; minus strand). Cytogenetic location: 19p13.2.
Variant type: single nucleotide variant.
Coding change: c.5789C>G on transcript NM_032447.5 (MANE Select); coding-DNA position 5789, C replaced by G.
Protein change: p.Thr1930Ser; replaces threonine 1930 with serine.
Molecular consequence: missense variant.
Genome position (GRCh38, 1-based): chr19:8,094,562, G>C on the plus strand (C>G on the coding strand, the complement: FBN3 is on the minus strand). VCF-style: chr19-8094562-G-C. GRCh37 (hg19) VCF-style: chr19-8159446-G-C.
Other names: c.5789C>G, p.Thr1930Ser (NM_001321431.2); short protein forms T1930S.
Identifiers: ClinVar variation 1519800 (VCV001519800.6), dbSNP rs148482018, ClinGen allele CA9151531.

ClinVar aggregate classification (germline): Uncertain significance (1 of 4 stars; one submission).

Allele frequency attached by ClinVar (database versions not stated): gnomAD exomes 0.00005 and 0.00014; ExAC 0.00014; 1000 Genomes Project 30x 0.00016; 1000 Genomes Project 0.00020; ESP Exome Variant Server 0.00023.
gnomAD v4.1: 147 of 1,613,230 alleles (0.0091%); highest among the groups gnomAD compares: African/African-American, 0.17%; no homozygotes.

Submission:

Labcorp Genetics (formerly Invitae), Labcorp
Classification: Uncertain significance. Last evaluated: 2024-12-18. Review status: criteria provided, single submitter. Criteria: Invitae Variant Classification Sherloc (09022015). Collection method: clinical testing. Allele origin: germline.
Comment: This sequence change replaces threonine, which is neutral and polar, with serine, which is neutral and polar, at codon 1930 of the FBN3 protein (p.Thr1930Ser). This variant is present in population databases (rs148482018, gnomAD 0.2%), and has an allele count higher than expected for a pathogenic variant. This variant has not been reported in the literature in individuals affected with FBN3-related conditions. ClinVar contains an entry for this variant (Variation ID: 1519800). Invitae Evidence Modeling of protein sequence and biophysical properties (such as structural, functional, and spatial information, amino acid conservation, physicochemical variation, residue mobility, and thermodynamic stability) has been performed for this missense variant. However, the output from this modeling did not meet the statistical confidence thresholds required to predict the impact of this variant on FBN3 protein function. In summary, the available evidence is currently insufficient to determine the role of this variant in disease. Therefore, it has been classified as a Variant of Uncertain Significance.